The following is an entry in ClinVar:

ClinVar aggregate classification (germline): Uncertain significance. Review status: criteria provided, multiple submitters, no conflicts (2 of 4 stars). 2 submissions from 2 submitters: Uncertain significance (2). Last evaluated 2025-01-06.

Conditions:
Melanoma, cutaneous malignant, susceptibility to, 5. Also called: Cutaneous malignant melanoma 5. Identifiers: Orphanet 618, MedGen C2751295, MONDO:0013133, OMIM 613099.

Allele frequency attached by ClinVar (database versions not stated): gnomAD 0.00001; TOPMed 0.00001.

Submissions (2):

Ambry Genetics
Classification: Uncertain significance. Last evaluated: 2025-01-06. Review status: criteria provided, single submitter. Criteria: Ambry Variant Classification Scheme 2023. Collection method: clinical testing. Allele origin: germline.
Comment: The p.L309V variant (also known as c.925C>G), located in coding exon 1 of the MC1R gene, results from a C to G substitution at nucleotide position 925. The leucine at codon 309 is replaced by valine, an amino acid with highly similar properties. This amino acid position is conserved. In addition, this alteration is predicted to be tolerated by in silico analysis. Based on the available evidence, the clinical significance of this variant remains unclear.

Labcorp Genetics (formerly Invitae), Labcorp
Classification: Uncertain significance for Melanoma, cutaneous malignant, susceptibility to, 5. Last evaluated: 2020-03-04. Review status: criteria provided, single submitter. Criteria: Invitae Variant Classification Sherloc (09022015). Collection method: clinical testing. Allele origin: germline.
Comment: This variant is not present in population databases (ExAC no frequency). In summary, the available evidence is currently insufficient to determine the role of this variant in disease. Therefore, it has been classified as a Variant of Uncertain Significance. Algorithms developed to predict the effect of missense changes on protein structure and function (SIFT, PolyPhen-2, Align-GVGD) all suggest that this variant is likely to be disruptive, but these predictions have not been confirmed by published functional studies and their clinical significance is uncertain. This variant has not been reported in the literature in individuals with MC1R-related conditions. This sequence change replaces leucine with valine at codon 309 of the MC1R protein (p.Leu309Val). The leucine residue is highly conserved and there is a small physicochemical difference between leucine and valine.

NM_002386.4(MC1R):c.925C>G (p.Leu309Val)

Gene: MC1R (melanocortin 1 receptor; plus strand). Cytogenetic location: 16q24.3.
Variant type: single nucleotide variant.
Coding change: c.925C>G on transcript NM_002386.4 (MANE Select); coding-DNA position 925, C replaced by G.
Protein change: p.Leu309Val; replaces leucine 309 with valine.
Molecular consequence: missense variant.
Genome position (GRCh38, 1-based): chr16:89,920,183, C>G. VCF-style: chr16-89920183-C-G. GRCh37 (hg19) VCF-style: chr16-89986591-C-G.
Other names: c.925C>G (NM_002386.3); short protein forms L309V.
Identifiers: ClinVar variation 1005377 (VCV001005377.9), dbSNP rs1360082988, ClinGen allele CA397463951.